The following is an entry in ClinVar:

NM_024721.5(ZFHX4):c.5326G>T (p.Glu1776Ter)

Gene: ZFHX4 (zinc finger homeobox 4; plus strand). Cytogenetic location: 8q21.13.
Variant type: single nucleotide variant.
Coding change: c.5326G>T on transcript NM_024721.5 (MANE Select); coding-DNA position 5326, G replaced by T.
Protein change: p.Glu1776Ter; replaces glutamic acid 1776 with a stop codon.
Molecular consequence: nonsense.
Genome position (GRCh38, 1-based): chr8:76,852,247, G>T. VCF-style: chr8-76852247-G-T. GRCh37 (hg19) VCF-style: chr8-77764483-G-T.
Other names: c.5248G>T, p.Glu1750Ter (NM_001410934.1); short protein forms E1750*, E1776*.
Identifiers: ClinVar variation 4527142 (VCV004527142.1).

ClinVar aggregate classification (germline): Uncertain significance (1 of 4 stars; one submission).

Submission:

GeneDx
Classification: Uncertain significance. Last evaluated: 2025-04-22. Review status: criteria provided, single submitter. Criteria: GeneDx Variant Classification Process June 2021. Collection method: clinical testing. Allele origin: germline. Affected: yes.
Comment: Not observed at significant frequency in large population cohorts (gnomAD); Nonsense variant predicted to result in protein truncation or nonsense mediated decay in a gene or region of a gene for which loss of function is not a well-established mechanism of disease; Has not been previously published as pathogenic or benign to our knowledge; Variants in candidate genes are classified as variants of uncertain significance in accordance with ACMG guidelines (PMID: 25741868)